The following is an entry in ClinVar:

ClinVar aggregate classification (germline): Uncertain significance (1 of 4 stars; one submission).

Conditions:
Cardiovascular phenotype. Identifiers: MedGen CN230736.

gnomAD v4.1: 1 of 1,613,996 alleles (0.000062%); highest among the groups gnomAD compares: African/African-American, 0.0013%; no homozygotes.

Submission:

Ambry Genetics
Classification: Uncertain significance for Cardiovascular phenotype. Last evaluated: 2023-11-16. Review status: criteria provided, single submitter. Criteria: Ambry Variant Classification Scheme 2023. Collection method: clinical testing. Allele origin: germline.
Comment: The p.R817G variant (also known as c.2449C>G), located in coding exon 15 of the SCN10A gene, results from a C to G substitution at nucleotide position 2449. The arginine at codon 817 is replaced by glycine, an amino acid with dissimilar properties. This amino acid position is poorly conserved in available vertebrate species. In addition, the in silico prediction for this alteration is inconclusive. The evidence for this gene-disease relationship is limited; therefore, the clinical significance of this alteration is unclear.

NM_006514.4(SCN10A):c.2449C>G (p.Arg817Gly)

Gene: SCN10A (sodium voltage-gated channel alpha subunit 10; minus strand). Cytogenetic location: 3p22.2.
Variant type: single nucleotide variant.
Coding change: c.2449C>G on transcript NM_006514.4 (MANE Select); coding-DNA position 2449, C replaced by G.
Protein change: p.Arg817Gly; replaces arginine 817 with glycine.
Molecular consequence: missense variant.
Genome position (GRCh38, 1-based): chr3:38,728,733, G>C on the plus strand (C>G on the coding strand, the complement: SCN10A is on the minus strand). VCF-style: chr3-38728733-G-C. GRCh37 (hg19) VCF-style: chr3-38770224-G-C.
Other names: c.2449C>G, p.Arg817Gly (NM_001293306.2); c.2155C>G, p.Arg719Gly (NM_001293307.2); short protein forms R719G, R817G.
Identifiers: ClinVar variation 3225632 (VCV003225632.1), dbSNP rs763084100, ClinGen allele CA352160494.